The following is an entry in ClinVar:

ClinVar aggregate classification (germline): Uncertain significance (1 of 4 stars; one submission).

Conditions:
Cardiovascular phenotype. Identifiers: MedGen CN230736.

Submission:

Ambry Genetics
Classification: Uncertain significance for Cardiovascular phenotype. Last evaluated: 2017-09-27. Review status: criteria provided, single submitter. Criteria: Ambry Variant Classification Scheme 2023. Collection method: clinical testing. Allele origin: germline.
Comment: The p.S38C variant (also known as c.112A>T), located in coding exon 2 of the ACVRL1 gene, results from an A to T substitution at nucleotide position 112. The serine at codon 38 is replaced by cysteine, an amino acid with dissimilar properties. This variant was identified in an individual with epistaxis, arteriovenous malformations, and a family history; however, it was classified as a polymorphism by the authors (Richards-Yutz J et al. Hum. Genet., 2010 Jul;128:61-77). This amino acid position is poorly conserved in available vertebrate species. In addition, the in silico prediction for this alteration is inconclusive. Based on available evidence to date, the clinical significance of this alteration remains unclear.

Literature cited by the submitters: PubMed 20414677.

NM_000020.3(ACVRL1):c.112A>T (p.Ser38Cys)

Gene: ACVRL1 (activin A receptor like type 1; plus strand). Cytogenetic location: 12q13.13.
Variant type: single nucleotide variant.
Coding change: c.112A>T on transcript NM_000020.3 (MANE Select); coding-DNA position 112, A replaced by T.
Protein change: p.Ser38Cys; replaces serine 38 with cysteine.
Molecular consequence: missense variant.
Genome position (GRCh38, 1-based): chr12:51,913,149, A>T. VCF-style: chr12-51913149-A-T. GRCh37 (hg19) VCF-style: chr12-52306933-A-T.
Other names: c.112A>T, p.Ser38Cys (NM_001077401.2, NM_001406487.1, NM_001406488.1 and 6 more transcripts); short protein forms S38C.
Identifiers: ClinVar variation 1727837 (VCV001727837.2), dbSNP rs2540158317, ClinGen allele CA384897561.